The following is an entry in ClinVar:

NM_001851.6(COL9A1):c.2636C>A (p.Pro879His)

Gene: COL9A1 (collagen type IX alpha 1 chain; minus strand). Cytogenetic location: 6q13.
Variant type: single nucleotide variant.
Coding change: c.2636C>A on transcript NM_001851.6 (MANE Select); coding-DNA position 2636, C replaced by A.
Protein change: p.Pro879His; replaces proline 879 with histidine.
Molecular consequence: missense variant. On other transcripts: non-coding transcript variant (1).
Genome position (GRCh38, 1-based): chr6:70,217,027, G>T on the plus strand (C>A on the coding strand, the complement: COL9A1 is on the minus strand). VCF-style: chr6-70217027-G-T. GRCh37 (hg19) VCF-style: chr6-70926730-G-T.
Other names: c.1937C>A, p.Pro646His (NM_001377289.1); c.1760C>A, p.Pro587His (NM_001377290.1); c.1907C>A, p.Pro636His (NM_078485.4); short protein forms P636H, P646H, P587H, P879H.
Identifiers: ClinVar variation 1981669 (VCV001981669.1), dbSNP rs1156605612, ClinGen allele CA364668041.

ClinVar aggregate classification (germline): Uncertain significance (1 of 4 stars; one submission).

Allele frequency attached by ClinVar (database versions not stated): TOPMed below 0.00001; gnomAD 0.00001.
gnomAD v4.1: 11 of 1,614,060 alleles (0.00068%); highest among the groups gnomAD compares: East Asian, 0.02%; no homozygotes.

Submission:

Labcorp Genetics (formerly Invitae), Labcorp
Classification: Uncertain significance. Last evaluated: 2022-06-26. Review status: criteria provided, single submitter. Criteria: Invitae Variant Classification Sherloc (09022015). Collection method: clinical testing. Allele origin: germline.
Comment: This sequence change replaces proline, which is neutral and non-polar, with histidine, which is basic and polar, at codon 879 of the COL9A1 protein (p.Pro879His). The frequency data for this variant in the population databases is considered unreliable, as metrics indicate poor data quality at this position in the gnomAD database. This variant has not been reported in the literature in individuals affected with COL9A1-related conditions. Advanced modeling of protein sequence and biophysical properties (such as structural, functional, and spatial information, amino acid conservation, physicochemical variation, residue mobility, and thermodynamic stability) performed at Invitae indicates that this missense variant is not expected to disrupt COL9A1 protein function. In summary, the available evidence is currently insufficient to determine the role of this variant in disease. Therefore, it has been classified as a Variant of Uncertain Significance.